The following is an entry in ClinVar:

ClinVar aggregate classification (germline): Uncertain significance. Review status: criteria provided, multiple submitters, no conflicts (2 of 4 stars). 2 submissions from 2 submitters: Uncertain significance (2). Last evaluated 2025-10-05.

Conditions:
Neuropathy, hereditary sensory and autonomic, type 2A (HSAN2A). Also called: MORVAN DISEASE; NEUROPATHY, CONGENITAL SENSORY; NEUROPATHY, HEREDITARY SENSORY RADICULAR, AUTOSOMAL RECESSIVE; NEUROPATHY, HEREDITARY SENSORY, TYPE IIA; NEUROPATHY, PROGRESSIVE SENSORY, OF CHILDREN; WNK1-Related HSAN2 (HSAN2A). Identifiers: Orphanet 970, MedGen C2752089, MONDO:0024309, OMIM 201300.
Generalized epilepsy with febrile seizures plus, type 7 (GEFSP7). Also called: GEFS+, TYPE 7. Identifiers: Orphanet 36387, MedGen C2751778, MONDO:0013470, OMIM 613863.

Allele frequency attached by ClinVar (database versions not stated): ExAC 0.00001; gnomAD 0.00001; gnomAD exomes 0.00001; TOPMed 0.00002.
gnomAD v4.1: 5 of 1,614,026 alleles (0.00031%); highest among the groups gnomAD compares: African/African-American, 0.0067%; no homozygotes.

Submissions (2):

Labcorp Genetics (formerly Invitae), Labcorp
Classification: Uncertain significance for Neuropathy, hereditary sensory and autonomic, type 2A; Generalized epilepsy with febrile seizures plus, type 7. Last evaluated: 2025-10-05. Review status: criteria provided, single submitter. Criteria: Invitae Variant Classification Sherloc (09022015). Collection method: clinical testing. Allele origin: germline.
Comment: This sequence change replaces glycine, which is neutral and non-polar, with aspartic acid, which is acidic and polar, at codon 1840 of the SCN9A protein (p.Gly1840Asp). This variant is present in population databases (rs757285775, gnomAD 0.02%). This variant has not been reported in the literature in individuals affected with SCN9A-related conditions. ClinVar contains an entry for this variant (Variation ID: 978182). Invitae Evidence Modeling of protein sequence and biophysical properties (such as structural, functional, and spatial information, amino acid conservation, physicochemical variation, residue mobility, and thermodynamic stability) indicates that this missense variant is not expected to disrupt SCN9A protein function with a negative predictive value of 80%. In summary, the available evidence is currently insufficient to determine the role of this variant in disease. Therefore, it has been classified as a Variant of Uncertain Significance.

New York Genome Center
Classification: Uncertain significance for Generalized epilepsy with febrile seizures plus, type 7. Last evaluated: 2020-02-04. Review status: criteria provided, single submitter. Criteria: NYGC Assertion Criteria 2020. Collection method: clinical testing. Allele origin: germline. Observed: 1 heterozygote. Study: CSER-NYCKidSeq.
Comment: The c.5519G>A (p.Gly1840Asp) variant identified in the SCN9A gene of substitutes a completely conserved Glycine for Aspartic Acid at amino acid 1840/1978 (coding exon 27/27). This variant is found with low frequency in gnomAD (3 heterozygotes, 0 homozygotes; allele frequency: 1.19e-5). In silico algorithms predict this variant to be Deleterious (Provean; score: -6.55) and Damaging (SIFT; score:0.000) to the function of the canonical transcript. This variant is absent from ClinVar and to our current knowledge has not been reported in affected individuals in the literature. The p.Gly1840 residue is within the C-terminal cytosolic domain of SCN9A, and this region is not a known hotspot for pathogenic variants. Given the lack of compelling evidence for its pathogenicity, the c.5519G>A (p.Gly1840Asp) variant identified in the SCN9A gene is reported as a Variant of Uncertain Significance.

NM_001365536.1(SCN9A):c.5552G>A (p.Gly1851Asp)

Genes: SCN9A (sodium voltage-gated channel alpha subunit 9; minus strand), SCN1A-AS1 (SCN1A and SCN9A antisense RNA 1; plus strand). Cytogenetic location: 2q24.3.
Variant type: single nucleotide variant.
Coding change: c.5552G>A on transcript NM_001365536.1 (MANE Select); coding-DNA position 5552, G replaced by A.
Protein change: p.Gly1851Asp; replaces glycine 1851 with aspartic acid.
Molecular consequence: missense variant.
Genome position (GRCh38, 1-based): chr2:166,199,087, C>T on the plus strand (G>A on the coding strand, the complement: SCN9A is on the minus strand). VCF-style: chr2-166199087-C-T. GRCh37 (hg19) VCF-style: chr2-167055597-C-T.
Other names: c.5519G>A, p.Gly1840Asp (NM_002977.4); short protein forms G1840D, G1851D.
Identifiers: ClinVar variation 978182 (VCV000978182.9), dbSNP rs757285775, ClinGen allele CA1943659.